The following is an entry in ClinVar:

ClinVar aggregate classification (germline): Likely benign (0 of 4 stars; one submission).

Conditions:
RPGRIP1L-related disorder. Also called: RPGRIP1L-related condition; RPGRIP1L-related disorders. Identifiers: MedGen CN239416.

Submission:

PreventionGenetics, part of Exact Sciences
Classification: Likely benign for RPGRIP1L-related condition. Last evaluated: 2021-05-24. Review status: no assertion criteria provided. Collection method: clinical testing. Allele origin: germline.
Comment: This variant is classified as likely benign based on ACMG/AMP sequence variant interpretation guidelines (Richards et al. 2015 PMID: 25741868, with internal and published modifications).

NM_015272.5(RPGRIP1L):c.1700-3C>T

Gene: RPGRIP1L (RPGRIP1 like; minus strand). Cytogenetic location: 16q12.2.
Variant type: single nucleotide variant.
Coding change: c.1700-3C>T on transcript NM_015272.5 (MANE Select); 3 bases into the intron before coding-DNA position 1700, C replaced by T.
Molecular consequence: intron variant.
Genome position (GRCh38, 1-based): chr16:53,652,990, G>A on the plus strand (C>T on the coding strand, the complement: RPGRIP1L is on the minus strand). VCF-style: chr16-53652990-G-A. GRCh37 (hg19) VCF-style: chr16-53686902-G-A.
Other names: c.1700-3C>T (NM_001127897.4, NM_001330538.2, NM_001308334.3).
Identifiers: ClinVar variation 3357391 (VCV003357391.1).